The following is an entry in ClinVar:

ClinVar aggregate classification (germline): Uncertain significance (1 of 4 stars; one submission).

Submission:

Labcorp Genetics (formerly Invitae), Labcorp
Classification: Uncertain significance. Last evaluated: 2021-07-18. Review status: criteria provided, single submitter. Criteria: Invitae Variant Classification Sherloc (09022015). Collection method: clinical testing. Allele origin: germline.
Comment: In summary, the available evidence is currently insufficient to determine the role of this variant in disease. Therefore, it has been classified as a Variant of Uncertain Significance. Experimental studies and prediction algorithms are not available or were not evaluated, and the functional significance of this variant is currently unknown. This variant has not been reported in the literature in individuals with SLC2A9-related conditions. This variant results in a copy number gain of the genomic region encompassing exon(s) 12 of the SLC2A9 gene. The 5' boundary is likely confined to intron 11. The 3' end of this event is unknown as it extends beyond the assayed region for this gene and therefore may encompass additional genes. As the precise location of this event is unknown, it may be in tandem or it may be located elsewhere in the genome.

NC_000004.11:g.(?_9828021)_(9828244_?)dup

Gene: SLC2A9 (solute carrier family 2 member 9; minus strand). Cytogenetic location: 4p16.1.
Variant type: Duplication.
Identifiers: ClinVar variation 1449188 (VCV001449188.4).